The following is an entry in ClinVar:

NM_006231.4(POLE):c.6694A>G (p.Met2232Val)

Gene: POLE (DNA polymerase epsilon, catalytic subunit; minus strand). Cytogenetic location: 12q24.33.
Variant type: single nucleotide variant.
Coding change: c.6694A>G on transcript NM_006231.4 (MANE Select); coding-DNA position 6694, A replaced by G.
Protein change: p.Met2232Val; replaces methionine 2232 with valine.
Molecular consequence: missense variant.
Genome position (GRCh38, 1-based): chr12:132,624,958, T>C on the plus strand (A>G on the coding strand, the complement: POLE is on the minus strand). VCF-style: chr12-132624958-T-C. GRCh37 (hg19) VCF-style: chr12-133201544-T-C.
Other names: c.6694A>G (NM_006231.2); short protein forms M2232V.
Identifiers: ClinVar variation 647694 (VCV000647694.12), dbSNP rs546982080, ClinGen allele CA246285392.
Genomic context (GRCh38, chr12:132,624,958, plus strand): 5'-AGCCCACCTGGGTGTGGATGGTGAGGGCGAAGTCTCCCGCGCAGCTGCAGTACACAGGCA[T>C]GCTGGTCTCCTTCACCCCGCGGCACTTCAGGCAGACCTGAAAGGGAGCAGCCCCGATGGG-3'
Protein context (NP_006222.2, residues 2222-2242): LKCRGVKETS[Met2232Val]PVYCSCAGDF

ClinVar aggregate classification (germline): Uncertain significance. Review status: criteria provided, multiple submitters, no conflicts (2 of 4 stars). 2 submissions from 2 submitters: Uncertain significance (2). Last evaluated 2025-09-23.

Conditions:
Hereditary cancer-predisposing syndrome. Also called: Hereditary Cancer Syndrome; Tumor predisposition; Hereditary neoplastic syndrome; Neoplastic Syndromes, Hereditary. Identifiers: Orphanet 140162, MedGen C0027672, MeSH D009386, MONDO:0015356.

Allele frequency attached by ClinVar (database versions not stated): gnomAD 0.00001; 1000 Genomes Project 0.00020; 1000 Genomes Project 30x 0.00031.
gnomAD v4.1: 2 of 1,614,040 alleles (0.00012%); highest among the groups gnomAD compares: South Asian, 0.0011%; no homozygotes.

Submissions (2):

Ambry Genetics
Classification: Uncertain significance for Hereditary cancer-predisposing syndrome. Last evaluated: 2025-09-23. Review status: criteria provided, single submitter. Criteria: Ambry Variant Classification Scheme 2023. Collection method: clinical testing. Allele origin: germline.
Comment: The p.M2232V variant (also known as c.6694A>G), located in coding exon 48 of the POLE gene, results from an A to G substitution at nucleotide position 6694. The methionine at codon 2232 is replaced by valine, an amino acid with highly similar properties. This amino acid position is highly conserved in available vertebrate species. In addition, the in silico prediction for this alteration is inconclusive. Based on the available evidence, the clinical significance of this variant remains unclear.

Labcorp Genetics (formerly Invitae), Labcorp
Classification: Uncertain significance. Last evaluated: 2024-04-18. Review status: criteria provided, single submitter. Criteria: Invitae Variant Classification Sherloc (09022015). Collection method: clinical testing. Allele origin: germline.
Comment: This sequence change replaces methionine, which is neutral and non-polar, with valine, which is neutral and non-polar, at codon 2232 of the POLE protein (p.Met2232Val). This variant is not present in population databases (gnomAD no frequency). This variant has not been reported in the literature in individuals affected with POLE-related conditions. ClinVar contains an entry for this variant (Variation ID: 647694). Advanced modeling of protein sequence and biophysical properties (such as structural, functional, and spatial information, amino acid conservation, physicochemical variation, residue mobility, and thermodynamic stability) performed at Invitae indicates that this missense variant is not expected to disrupt POLE protein function with a negative predictive value of 80%. In summary, the available evidence is currently insufficient to determine the role of this variant in disease. Therefore, it has been classified as a Variant of Uncertain Significance.